The following is an entry in ClinVar:

ClinVar aggregate classification (germline): Uncertain significance. Review status: criteria provided, multiple submitters, no conflicts (2 of 4 stars). 2 submissions from 2 submitters: Uncertain significance (2). Last evaluated 2026-08-31.

Conditions:
Cardiovascular phenotype. Identifiers: MedGen CN230736.

Allele frequency attached by ClinVar (database versions not stated): TOPMed below 0.00001; gnomAD 0.00001; ExAC 0.00002.
gnomAD v4.1: 11 of 1,613,958 alleles (0.00068%); highest among the groups gnomAD compares: East Asian, 0.0045%; no homozygotes.

Submissions (2):

Ambry Genetics
Classification: Uncertain significance for Cardiovascular phenotype. Last evaluated: 2026-08-31. Review status: criteria provided, single submitter. Criteria: Ambry Variant Classification Scheme 2023. Collection method: clinical testing. Allele origin: germline.
Comment: The c.545+4C>T intronic variant results from a C to T substitution 4 nucleotides after coding exon 3 in the TBX20 gene. This nucleotide position is poorly conserved in available vertebrate species. In silico splice site analysis predicts that this alteration will not have any significant effect on splicing. Based on the available evidence, the clinical significance of this variant remains unclear.

Labcorp Genetics (formerly Invitae), Labcorp
Classification: Uncertain significance. Last evaluated: 2025-08-06. Review status: criteria provided, single submitter. Criteria: Invitae Variant Classification Sherloc (09022015). Collection method: clinical testing. Allele origin: germline.
Comment: This sequence change falls in intron 3 of the TBX20 gene. It does not directly change the encoded amino acid sequence of the TBX20 protein. It affects a nucleotide within the consensus splice site. This variant is present in population databases (rs772793678, gnomAD 0.006%). This variant has not been reported in the literature in individuals affected with TBX20-related conditions. ClinVar contains an entry for this variant (Variation ID: 2022990). Variants that disrupt the consensus splice site are a relatively common cause of aberrant splicing (PMID: 17576681, 9536098). Algorithms developed to predict the effect of sequence changes on RNA splicing suggest that this variant is not likely to affect RNA splicing. In summary, the available evidence is currently insufficient to determine the role of this variant in disease. Therefore, it has been classified as a Variant of Uncertain Significance.

Literature cited by the submitters: PubMed 17576681 (cited by Labcorp Genetics (formerly Invitae), Labcorp); PubMed 9536098 (cited by Labcorp Genetics (formerly Invitae), Labcorp).

NM_001077653.2(TBX20):c.545+4C>T

Gene: TBX20 (T-box transcription factor 20; minus strand). Cytogenetic location: 7p14.2.
Variant type: single nucleotide variant.
Coding change: c.545+4C>T on transcript NM_001077653.2 (MANE Select); 4 bases into the intron after coding-DNA position 545, C replaced by T.
Molecular consequence: intron variant.
Genome position (GRCh38, 1-based): chr7:35,248,673, G>A on the plus strand (C>T on the coding strand, the complement: TBX20 is on the minus strand). VCF-style: chr7-35248673-G-A. GRCh37 (hg19) VCF-style: chr7-35288285-G-A.
Other names: c.545+4C>T (NM_001166220.1).
Identifiers: ClinVar variation 2022990 (VCV002022990.5), dbSNP rs772793678, ClinGen allele CA4217481.